The following continues an entry in ClinVar:

NM_001130987.2(DYSF):c.3166C>T (p.Arg1056Ter)

Gene: DYSF. ClinVar aggregate classification (germline): Pathogenic. Pathogenic (1).

Submissions 10 to 16 of 16:

GeneDx
Classification: Pathogenic. Last evaluated: 2019-11-26. Review status: criteria provided, single submitter. Criteria: GeneDx Variant Classification Process June 2021. Collection method: clinical testing. Allele origin: germline. Affected: yes. Not counted in ClinVar's aggregate classification.
Comment: Observed with a pathogenic variant in published literature but it is not known whether the variants occurred on the same (in cis) or on different (in trans) chromosomes (Nguyen et al., 2005; Takahashi et al., 2013); Not observed at a significant frequency in large population cohorts (Lek et al., 2016); Nonsense variant predicted to result in protein truncation or nonsense mediated decay in a gene for which loss-of-function is a known mechanism of disease; Published functional studies demonstrate a damaging effect as a patient harboring the Q1278X variant was found to have absent/drastically reduced dysferlin expression on western blot analysis (Nguyen et al., 2005); This variant is associated with the following publications: (PMID: 23254335, 21173544, 25591676, 18853459, 25525159, 16010686, 19528035, 23243261, 32528171)

Broad Center for Mendelian Genomics, Broad Institute of MIT and Harvard
Classification: Pathogenic for Autosomal recessive limb-girdle muscular dystrophy type 2B. Last evaluated: 2018-12-03. Review status: criteria provided, single submitter. Criteria: ACMG Guidelines, 2015. Collection method: research. Allele origin: germline. Inheritance: Autosomal recessive inheritance. Affected: yes. Not counted in ClinVar's aggregate classification.
Comment: The homozygous p.Arg1056Ter (sometimes called p.Arg1038Ter) variant in DYSF was identified by our study in two siblings with limb-girdle muscular dystrophy (LGMD). This variant has been identified in 0.002442% (6/245656) of chromosomes in the Genome Aggregation Database (gnomAD; dbSNP rs369607332). Although this variant has been seen in the general population, its frequency is low enough to be consistent with a recessive carrier frequency. This variant has been reported in ClinVar (Variation ID: 217225). The presence of this variant in combination with a frameshift variant and in an individual with limb-girdle muscular dystrophy (LGMD) increases the likelihood that the p.Arg1056Ter variant is pathogenic. (PMID: 23243261). This nonsense variant leads to a premature termination codon at position 1056, which is predicted to lead to a truncated or absent protein. Loss of function of the DYSF gene is an established disease mechanism in autosomal recessive LGMD, and this is a loss of function variant. In summary, this variant meets criteria to be classified as pathogenic for LGMD in an autosomal recessive manner based on the predicted impact of the variant and a report of this variant with another loss of function variant in the literature. ACMG/AMP Criteria applied: PM2, PVS1, PM3_Supporting (Richards 2015).

Eurofins Ntd Llc (ga)
Classification: Pathogenic. Last evaluated: 2018-04-13. Review status: criteria provided, single submitter. Criteria: EGL ClinVar v180209 classification definitions. Collection method: clinical testing. Allele origin: germline. Observed: 7 variant alleles, 7 heterozygotes. Not counted in ClinVar's aggregate classification.

Illumina Laboratory Services, Illumina
Classification: Pathogenic for Dysferlinopathy. Last evaluated: 2017-11-29. Review status: criteria provided, single submitter. Criteria: ICSL Variant Classification Criteria 09 May 2019. Collection method: clinical testing. Allele origin: germline. Not counted in ClinVar's aggregate classification.
Comment: The DYSF c.3112C>T (p.Arg1038Ter) variant has been reported in six studies and identified in seven individuals, including three in a homozygous state and four in a compound heterozygous state (Nguyen et al. 2005; Choi et al. 2010; Zhao et al. 2013; Takahashi et al. 2013; Xi et al. 2014; Liu et al. 2015). Five of the affected individuals had a clinical diagnosis of Miyoshi myopathy and two had limb-girdle muscular dystrophy type 2B. The p.Arg1038Ter variant was absent from 100 controls but is reported at a frequency of 0.00004 in the European (non-Finnish) population of the Genome Aggregation Database. Based on the clinical evidence and the potential impact of stop-gained variants, the p.Arg1038Ter variant is classified as pathogenic for dysferlinopathy. This variant was observed by ICSL as part of a predisposition screen in an ostensibly healthy population.

Athena Diagnostics
Classification: Pathogenic for Limb-girdle muscular dystrophy, type 2B. Last evaluated: 2015-09-09. Review status: criteria provided, single submitter. Criteria: Athena Diagnostics Criteria. Collection method: clinical testing. Allele origin: germline. Inheritance: Autosomal recessive inheritance. Not counted in ClinVar's aggregate classification.

Juno Genomics, Hangzhou Juno Genomics, Inc
Classification: Pathogenic for Miyoshi muscular dystrophy 1; Autosomal recessive limb-girdle muscular dystrophy type 2B; Distal myopathy with anterior tibial onset. Review status: criteria provided, single submitter. Criteria: ACMG Guidelines, 2015. Collection method: clinical testing. Allele origin: germline. Not counted in ClinVar's aggregate classification.
Comment: Absent from controls (or at extremely low frequency if recessive) in Genome Aggregation Database.;Null variant in a gene where loss of function (LOF) is a known mechanism of disease.;For recessive disorders, detected in trans with a pathogenic variant.;Patient's phenotype or family history is highly specific for a disease with a single genetic etiology.

Counsyl
Classification: Pathogenic for Autosomal recessive limb-girdle muscular dystrophy type 2B. Last evaluated: 2017-01-05. Review status: no assertion criteria provided. Collection method: clinical testing. Allele origin: unknown. Not counted in ClinVar's aggregate classification.

Literature cited by the submitters: PubMed 36319958 (cited by Natera, Inc.); PubMed 36983702 (cited by Women's Health and Genetics/Laboratory Corporation of America, LabCorp); PubMed 23243261 (cited by 5 submitters); PubMed 33610434 (cited by Variantyx, Inc.); PubMed 17698709 (cited by Labcorp Genetics (formerly Invitae), Labcorp); PubMed 20301480 (cited by Labcorp Genetics (formerly Invitae), Labcorp); PubMed 16010686 (cited by 4 submitters); PubMed 20497525 (cited by Labcorp Genetics (formerly Invitae), Labcorp and Illumina Laboratory Services, Illumina); PubMed 23254335 (cited by Labcorp Genetics (formerly Invitae), Labcorp and Illumina Laboratory Services, Illumina); PubMed 26000923 (cited by Illumina Laboratory Services, Illumina); PubMed 25591676 (cited by Illumina Laboratory Services, Illumina); PubMed 27602406 (cited by Counsyl).